The following is an entry in ClinVar:

ClinVar aggregate classification (germline): Uncertain significance (1 of 4 stars; one submission).

Submission:

Labcorp Genetics (formerly Invitae), Labcorp
Classification: Uncertain significance. Last evaluated: 2025-05-08. Review status: criteria provided, single submitter. Criteria: Invitae Variant Classification Sherloc (09022015). Collection method: clinical testing. Allele origin: germline.
Comment: This sequence change replaces serine, which is neutral and polar, with phenylalanine, which is neutral and non-polar, at codon 156 of the POLE protein (p.Ser156Phe). This variant is not present in population databases (gnomAD no frequency). This variant has not been reported in the literature in individuals affected with POLE-related conditions. Invitae Evidence Modeling of protein sequence and biophysical properties (such as structural, functional, and spatial information, amino acid conservation, physicochemical variation, residue mobility, and thermodynamic stability) indicates that this missense variant is not expected to disrupt POLE protein function with a negative predictive value of 80%. In summary, the available evidence is currently insufficient to determine the role of this variant in disease. Therefore, it has been classified as a Variant of Uncertain Significance.

NM_006231.4(POLE):c.467C>T (p.Ser156Phe)

Gene: POLE (DNA polymerase epsilon, catalytic subunit; minus strand). Cytogenetic location: 12q24.33.
Variant type: single nucleotide variant.
Coding change: c.467C>T on transcript NM_006231.4 (MANE Select); coding-DNA position 467, C replaced by T.
Protein change: p.Ser156Phe; replaces serine 156 with phenylalanine.
Molecular consequence: missense variant.
Genome position (GRCh38, 1-based): chr12:132,679,608, G>A on the plus strand (C>T on the coding strand, the complement: POLE is on the minus strand). VCF-style: chr12-132679608-G-A. GRCh37 (hg19) VCF-style: chr12-133256194-G-A.
Other names: short protein forms S156F.
Identifiers: ClinVar variation 4803784 (VCV004803784.1).